The following is an entry in ClinVar:

NM_003923.3(FOXH1):c.424A>G (p.Lys142Glu)

Gene: FOXH1 (forkhead box H1; minus strand). Cytogenetic location: 8q24.3.
Variant type: single nucleotide variant.
Coding change: c.424A>G on transcript NM_003923.3 (MANE Select); coding-DNA position 424, A replaced by G.
Protein change: p.Lys142Glu; replaces lysine 142 with glutamic acid.
Molecular consequence: missense variant.
Genome position (GRCh38, 1-based): chr8:144,474,912, T>C on the plus strand (A>G on the coding strand, the complement: FOXH1 is on the minus strand). VCF-style: chr8-144474912-T-C. GRCh37 (hg19) VCF-style: chr8-145700295-T-C.
Other names: short protein forms K142E.
Identifiers: ClinVar variation 1021945 (VCV001021945.5), dbSNP rs1488443353, ClinGen allele CA372724946.

ClinVar aggregate classification (germline): Uncertain significance (1 of 4 stars; one submission).

Conditions:
Holoprosencephaly sequence (HPE). Also called: Holoprosencephaly. Identifiers: Orphanet 2162, MedGen C0079541, MONDO:0016296, HP:0001360.

Allele frequency attached by ClinVar (database versions not stated): TOPMed 0.00001.

Submission:

Labcorp Genetics (formerly Invitae), Labcorp
Classification: Uncertain significance for Holoprosencephaly sequence. Last evaluated: 2020-08-29. Review status: criteria provided, single submitter. Criteria: Invitae Variant Classification Sherloc (09022015). Collection method: clinical testing. Allele origin: germline.
Comment: This sequence change replaces lysine with glutamic acid at codon 142 of the FOXH1 protein (p.Lys142Glu). The lysine residue is moderately conserved and there is a small physicochemical difference between lysine and glutamic acid. This variant is not present in population databases (ExAC no frequency). This variant has not been reported in the literature in individuals with FOXH1-related conditions. Algorithms developed to predict the effect of missense changes on protein structure and function output the following: SIFT: "Deleterious"; PolyPhen-2: "Probably Damaging"; Align-GVGD: "Class C0". The glutamic acid amino acid residue is found in multiple mammalian species, suggesting that this missense change does not adversely affect protein function. These predictions have not been confirmed by published functional studies and their clinical significance is uncertain. In summary, the available evidence is currently insufficient to determine the role of this variant in disease. Therefore, it has been classified as a Variant of Uncertain Significance.